The following is an entry in ClinVar:

ClinVar aggregate classification (germline): Likely benign. Review status: criteria provided, single submitter (1 of 4 stars). 2 submissions from 2 submitters: Likely benign (1). 1 of the submissions does not count toward it. Last evaluated 2025-12-27.

Conditions:
AMACR-related disorder. Also called: AMACR-Related Disorders; AMACR-related condition.
Alpha-methylacyl-CoA racemase deficiency (AMACRD). Also called: AMACR deficiency. Identifiers: Orphanet 79095, MedGen C3280428, MONDO:0013681, OMIM 614307. Disease mechanism: loss of function.

Allele frequency attached by ClinVar (database versions not stated): TOPMed below 0.00001; gnomAD exomes 0.00001; ExAC 0.00004.
gnomAD v4.1: 10 of 1,614,076 alleles (0.00062%); highest among the groups gnomAD compares: Admixed American, 0.013%; no homozygotes.

Submissions (2):

Labcorp Genetics (formerly Invitae), Labcorp
Classification: Likely benign for Alpha-methylacyl-CoA racemase deficiency. Last evaluated: 2025-12-27. Review status: criteria provided, single submitter. Criteria: Invitae Variant Classification Sherloc (09022015). Collection method: clinical testing. Allele origin: germline.

PreventionGenetics, part of Exact Sciences
Classification: Likely benign for AMACR-related condition. Last evaluated: 2021-08-17. Review status: no assertion criteria provided. Collection method: clinical testing. Allele origin: germline. Not counted in ClinVar's aggregate classification.
Comment: This variant is classified as likely benign based on ACMG/AMP sequence variant interpretation guidelines (Richards et al. 2015 PMID: 25741868, with internal and published modifications).

NM_014324.6(AMACR):c.984A>G (p.Ala328=)

Genes: C1QTNF3-AMACR (C1QTNF3-AMACR readthrough (NMD candidate); minus strand), AMACR (alpha-methylacyl-CoA racemase; minus strand). Cytogenetic location: 5p13.2.
Variant type: single nucleotide variant.
Coding change: c.984A>G on transcript NM_014324.6 (MANE Select); coding-DNA position 984, A replaced by G.
Protein change: p.Ala328=; no amino-acid change (alanine 328 retained).
Molecular consequence: synonymous variant. On other transcripts: non-coding transcript variant (1), 3 prime UTR variant (1).
Genome position (GRCh38, 1-based): chr5:33,989,258, T>C on the plus strand (A>G on the coding strand, the complement: AMACR is on the minus strand). VCF-style: chr5-33989258-T-C. GRCh37 (hg19) VCF-style: chr5-33989363-T-C.
Other names: c.984A>G, p.Ala328= (NM_001167595.2); c.*226A>G (NM_203382.3); c.984A>G (NM_014324.5).
Identifiers: ClinVar variation 1967729 (VCV001967729.7), dbSNP rs761768331, ClinGen allele CA3225978.